The following is an entry in ClinVar:

ClinVar aggregate classification (germline): Uncertain significance (1 of 4 stars; one submission).

Conditions:
Cardiovascular phenotype. Identifiers: MedGen CN230736.

Submission:

Ambry Genetics
Classification: Uncertain significance for Cardiovascular phenotype. Last evaluated: 2025-07-02. Review status: criteria provided, single submitter. Criteria: Ambry Variant Classification Scheme 2023. Collection method: clinical testing. Allele origin: germline.
Comment: The c.1726G>A variant (also known as p.V576M), located in coding exon 18 of the MYBPC3 gene, results from a G to A substitution at nucleotide position 1726. The valine at codon 576 is replaced by methionine, an amino acid with highly similar properties. This nucleotide position is not well conserved in available vertebrate species. In silico splice site analysis predicts that this alteration will result in the creation or strengthening of a novel splice donor site. One minigene splicing study suggests that this alteration may impact splicing, but technical limitations of the assay confound the interpretation (Ito K et al. Proc. Natl. Acad. Sci. U.S.A., 2017 07;114:7689-7694). Based on the available evidence, the clinical significance of this variant remains unclear.

Literature cited by the submitters: PubMed 28679633.

NM_000256.3(MYBPC3):c.1726G>A (p.Val576Met)

Gene: MYBPC3 (myosin binding protein C3; minus strand). Cytogenetic location: 11p11.2.
Variant type: single nucleotide variant.
Coding change: c.1726G>A on transcript NM_000256.3 (MANE Select); coding-DNA position 1726, G replaced by A.
Protein change: p.Val576Met; replaces valine 576 with methionine.
Molecular consequence: missense variant.
Genome position (GRCh38, 1-based): chr11:47,342,055, C>T on the plus strand (G>A on the coding strand, the complement: MYBPC3 is on the minus strand). VCF-style: chr11-47342055-C-T. GRCh37 (hg19) VCF-style: chr11-47363606-C-T.
Other names: short protein forms V576M.
Identifiers: ClinVar variation 4114319 (VCV004114319.1).